The following is an entry in ClinVar:

ClinVar aggregate classification (germline): Likely pathogenic. Review status: criteria provided, multiple submitters, no conflicts (2 of 4 stars). 2 submissions from 2 submitters: Likely pathogenic (2). Last evaluated 2025-07-17.

Conditions:
Cardiovascular phenotype. Identifiers: MedGen CN230736.
Hereditary cancer-predisposing syndrome. Also called: Neoplastic Syndromes, Hereditary; Hereditary Cancer Syndrome; Tumor predisposition; Hereditary neoplastic syndrome. Identifiers: Orphanet 140162, MedGen C0027672, MeSH D009386, MONDO:0015356.

Allele frequency attached by ClinVar (database versions not stated): gnomAD exomes below 0.00001; TOPMed 0.00001; gnomAD 0.00002.
gnomAD v4.1: 9 of 1,612,026 alleles (0.00056%); highest among the groups gnomAD compares: Non-Finnish European, 0.00076%; no homozygotes.

Submissions (2):

Labcorp Genetics (formerly Invitae), Labcorp
Classification: Likely pathogenic. Last evaluated: 2025-07-17. Review status: criteria provided, single submitter. Criteria: Invitae Variant Classification Sherloc (09022015). Collection method: clinical testing. Allele origin: germline.
Comment: This sequence change affects an acceptor splice site in intron 19 of the LZTR1 gene. It is expected to disrupt RNA splicing. Variants that disrupt the donor or acceptor splice site typically lead to a loss of protein function (PMID: 16199547), and loss-of-function variants in LZTR1 are known to be pathogenic (PMID: 24362817, 25335493, 25480913, 25795793, 29469822, 30368668, 30442762, 30442766, 30481304, 30859559). This variant is present in population databases (no rsID available, gnomAD 0.007%). This variant has not been reported in the literature in individuals affected with LZTR1-related conditions. ClinVar contains an entry for this variant (Variation ID: 1473946). Algorithms developed to predict the effect of sequence changes on RNA splicing suggest that this variant may disrupt the consensus splice site. In summary, the currently available evidence indicates that the variant is pathogenic, but additional data are needed to prove that conclusively. Therefore, this variant has been classified as Likely Pathogenic.

Ambry Genetics
Classification: Likely pathogenic for Cardiovascular phenotype; Hereditary cancer-predisposing syndrome. Last evaluated: 2025-05-23. Review status: criteria provided, single submitter. Criteria: Ambry Variant Classification Scheme 2023. Collection method: clinical testing. Allele origin: germline.
Comment: The c.2326-2A>G intronic variant results from an A to G substitution two nucleotides upstream from coding exon 20 in the LZTR1 gene. Alterations that disrupt the canonical splice site are expected to result in aberrant splicing. In silico splice site analysis predicts that this alteration will weaken the native splice acceptor site; however, direct evidence is insufficient at this time (Ambry internal data). The resulting transcript is predicted to be in-frame and is not expected to trigger nonsense-mediated mRNAdecay; however, direct evidence is unavailable. The exact functional effect of the altered amino acid sequence is unknown; however, the impacted region is critical for protein function (Ambry internal data). This nucleotide position is highly conserved in available vertebrate species. This variant is considered to be rare based on population cohorts in the Genome Aggregation Database (gnomAD). Based on the supporting evidence, this variant is likely pathogenic for an increased risk of LZTR1-related schwannomatosis (SWN) and would be expected to cause autosomal recessive Noonan syndrome when present along with a second pathogenic variant on the other allele; however, its clinical significance for autosomal dominant Noonan syndrome is unclear.

Literature cited by the submitters: PubMed 16199547 (cited by Labcorp Genetics (formerly Invitae), Labcorp); PubMed 24362817 (cited by Labcorp Genetics (formerly Invitae), Labcorp); PubMed 25335493 (cited by Labcorp Genetics (formerly Invitae), Labcorp); PubMed 25480913 (cited by Labcorp Genetics (formerly Invitae), Labcorp); PubMed 25795793 (cited by Labcorp Genetics (formerly Invitae), Labcorp); PubMed 29469822 (cited by Labcorp Genetics (formerly Invitae), Labcorp); PubMed 30368668 (cited by Labcorp Genetics (formerly Invitae), Labcorp); PubMed 30442762 (cited by Labcorp Genetics (formerly Invitae), Labcorp); PubMed 30442766 (cited by Labcorp Genetics (formerly Invitae), Labcorp); PubMed 30481304 (cited by Labcorp Genetics (formerly Invitae), Labcorp); PubMed 30859559 (cited by Labcorp Genetics (formerly Invitae), Labcorp).

NM_006767.4(LZTR1):c.2326-2A>G

Gene: LZTR1 (leucine zipper like post translational regulator 1; plus strand). Cytogenetic location: 22q11.21.
Variant type: single nucleotide variant.
Coding change: c.2326-2A>G on transcript NM_006767.4 (MANE Select); the canonical splice acceptor site of the intron before coding-DNA position 2326, A replaced by G.
Molecular consequence: splice acceptor variant.
Genome position (GRCh38, 1-based): chr22:20,996,884, A>G. VCF-style: chr22-20996884-A-G. GRCh37 (hg19) VCF-style: chr22-21351173-A-G.
Other names: c.2326-2A>G (NM_006767.3).
Identifiers: ClinVar variation 1473946 (VCV001473946.10), dbSNP rs1475060729, ClinGen allele CA410780958.